The following is an entry in ClinVar:

ClinVar aggregate classification (germline): Likely pathogenic (1 of 4 stars; one submission).

Conditions:
Hermansky-Pudlak syndrome 2 (HPS2). Also called: Platelet defects and oculocutaneous albinism. Identifiers: Orphanet 183678, Orphanet 79430, MedGen C1842362, MONDO:0011997, OMIM 608233.

Submission:

Genomics, Clalit Research Institute, Clalit Health Care
Classification: Likely pathogenic for Hermansky-Pudlak syndrome 2. Last evaluated: 2024-06-14. Review status: criteria provided, single submitter. Criteria: ACMG Guidelines, 2015. Collection method: clinical testing. Allele origin: germline. Inheritance: Autosomal recessive inheritance. Affected: yes. Observed: 1 homozygote.
Comment: equency: The variant is absent from the gnomAD reference population dataset. Phenotype: The patient's phenotype or family history is highly specific for a disease with a single genetic etiology Prediction tools: REVEL predicts a deleterious effect on the gene or gene product (score 0.88). Clinical evidence: To date, the variant has not been described by reputable sources or in the primary literature. (pm2_support, pp3_modarate, pm3_support, pp4_strong)

NM_003664.5(AP3B1):c.395G>C (p.Arg132Pro)

Gene: AP3B1 (adaptor related protein complex 3 subunit beta 1; minus strand). Cytogenetic location: 5q14.1.
Variant type: single nucleotide variant.
Coding change: c.395G>C on transcript NM_003664.5 (MANE Select); coding-DNA position 395, G replaced by C.
Protein change: p.Arg132Pro; replaces arginine 132 with proline.
Molecular consequence: missense variant.
Genome position (GRCh38, 1-based): chr5:78,227,513, C>G on the plus strand (G>C on the coding strand, the complement: AP3B1 is on the minus strand). VCF-style: chr5-78227513-C-G. GRCh37 (hg19) VCF-style: chr5-77523337-C-G.
Other names: c.248G>C, p.Arg83Pro (NM_001271769.2); c.395G>C, p.Arg132Pro (NM_001410752.1); short protein forms R132P, R83P.
Identifiers: ClinVar variation 3242412 (VCV003242412.1), dbSNP rs2478717105.
Genomic context (GRCh38, chr5:78,227,513, plus strand): 5'-ATCATGATAGGTACAATAATTGGCACTCTAATACTTGACAGAACTCTCAAAGCGCTTGCA[C>G]GAATTAGTTGGTTTGGGTCCTAAAAATAGTGCAAAAATATTCACCAAAATTTCAACTTTA-3'
Protein context (NP_003655.3, residues 122-142): RALKDPNQLI[Arg132Pro]ASALRVLSSI